The following is an entry in ClinVar:

NM_001042492.3(NF1):c.3113+5G>A

Gene: NF1 (neurofibromin 1; plus strand). Cytogenetic location: 17q11.2.
Variant type: single nucleotide variant.
Coding change: c.3113+5G>A on transcript NM_001042492.3 (MANE Select); 5 bases into the intron after coding-DNA position 3113, G replaced by A.
Molecular consequence: intron variant.
Genome position (GRCh38, 1-based): chr17:31,230,387, G>A. VCF-style: chr17-31230387-G-A. GRCh37 (hg19) VCF-style: chr17-29557405-G-A.
Other names: c.3113+5G>A (NM_000267.4).
Identifiers: ClinVar variation 457622 (VCV000457622.14), dbSNP rs1555614549, ClinGen allele CA658656563.

ClinVar aggregate classification (germline): Pathogenic/Likely pathogenic. Review status: criteria provided, multiple submitters, no conflicts (2 of 4 stars). 5 submissions from 5 submitters: Pathogenic (3); Likely pathogenic (2). Last evaluated 2025-04-09.

Conditions:
NF1-related disorder. Also called: NF1-related condition. Identifiers: MedGen CN379171.
Hereditary cancer-predisposing syndrome. Also called: Neoplastic Syndromes, Hereditary; Hereditary Cancer Syndrome; Hereditary neoplastic syndrome; Tumor predisposition. Identifiers: Orphanet 140162, MedGen C0027672, MeSH D009386, MONDO:0015356.
Cardiovascular phenotype. Identifiers: MedGen CN230736.
Neurofibromatosis, type 1 (NF1). Also called: VON RECKLINGHAUSEN DISEASE; Peripheral type neurofibromatosis; NEUROFIBROMATOSIS, TYPE I, SOMATIC; Neurofibromatosis, type I. Identifiers: Orphanet 636, MedGen C0027831, MONDO:0018975, OMIM 162200. Disease mechanism: loss of function.

Allele frequency attached by ClinVar (database versions not stated): gnomAD exomes below 0.00001.
gnomAD v4.1: 1 of 1,613,312 alleles (0.000062%); highest among the groups gnomAD compares: Non-Finnish European, 0.000085%; no homozygotes.

Submissions (5):

NHS Central & South Genomic Laboratory Hub
Classification: Pathogenic for Neurofibromatosis type 1. Last evaluated: 2025-04-09. Review status: criteria provided, single submitter. Criteria: ACMG Guidelines, 2015. Collection method: clinical testing. Allele origin: germline. Affected: yes.

Labcorp Genetics (formerly Invitae), Labcorp
Classification: Pathogenic for Neurofibromatosis, type 1. Last evaluated: 2024-06-04. Review status: criteria provided, single submitter. Criteria: Invitae Variant Classification Sherloc (09022015). Collection method: clinical testing. Allele origin: germline.
Comment: This sequence change falls in intron 23 of the NF1 gene. It does not directly change the encoded amino acid sequence of the NF1 protein. It affects a nucleotide within the consensus splice site. This variant is not present in population databases (gnomAD no frequency). This variant has been observed in individuals with neurofibromatosis (PMID: 18546366; Invitae). ClinVar contains an entry for this variant (Variation ID: 457622). Variants that disrupt the consensus splice site are a relatively common cause of aberrant splicing (PMID: 17576681, 9536098). Algorithms developed to predict the effect of sequence changes on RNA splicing suggest that this variant may disrupt the consensus splice site. This variant disrupts the c.3113+5G nucleotide in the NF1 gene. Other variant(s) that disrupt this nucleotide have been determined to be pathogenic (PMID: 12807981, 17311297). This suggests that this nucleotide is clinically significant, and that variants that disrupt this position are likely to be disease-causing. For these reasons, this variant has been classified as Pathogenic.

Blueprint Genetics
Classification: Likely pathogenic for NF1-related disorders. Last evaluated: 2024-02-02. Review status: criteria provided, single submitter. Criteria: ACMG Guidelines, 2015. Collection method: clinical testing. Allele origin: germline. Affected: yes. Observed: 1 variant allele.

Ambry Genetics
Classification: Pathogenic for Cardiovascular phenotype; Hereditary cancer-predisposing syndrome. Last evaluated: 2022-08-10. Review status: criteria provided, single submitter. Criteria: Ambry Variant Classification Scheme 2023. Collection method: clinical testing. Allele origin: germline.
Comment: The c.3113+5G>A intronic pathogenic mutation results from a G to A substitution 5 nucleotides after coding exon 23 in the NF1 gene. This variant was detected in individuals with a clinical diagnosis or suspicion of neurofibromatosis type 1 (Pros E et al. Hum Mutat, 2008 Sep;29:E173-93; Ambry internal data). In silico splice site analysis for this alteration is inconclusive. RNA studies have demonstrated that this alteration results in skipping of exon 23 (Wimmer K et al. Hum Mutat, 2007 Jun;28:599-612; Pros E et al. Hum Mutat, 2008 Sep;29:E173-93; Ambry internal data). This nucleotide position is well conserved in available vertebrate species. This variant is considered to be rare based on population cohorts in the Genome Aggregation Database (gnomAD). Based on the supporting evidence, this alteration is interpreted as a disease-causing mutation.

Juno Genomics, Hangzhou Juno Genomics, Inc
Classification: Likely pathogenic for Neurofibromatosis, type 1. Review status: criteria provided, single submitter. Criteria: ACMG Guidelines, 2015. Collection method: clinical testing. Allele origin: germline. Affected: yes.
Comment: Absent from controls (or at extremely low frequency if recessive) in Genome Aggregation Database, Exome Sequencing Project, 1000 Genomes Project, or Exome Aggregation Consortium.;Well-established in vitro or in vivo functional studies supportive of a damaging effect on the gene or gene product.;The prevalence of the variant in affected individuals is significantly increased compared to the prevalence in controls.;Patient's phenotype or family history is highly specific for a disease with a single genetic etiology.

Literature cited by the submitters: PubMed 18546366 (cited by Labcorp Genetics (formerly Invitae), Labcorp); PubMed 17576681 (cited by Labcorp Genetics (formerly Invitae), Labcorp); PubMed 9536098 (cited by Labcorp Genetics (formerly Invitae), Labcorp); PubMed 12807981 (cited by Labcorp Genetics (formerly Invitae), Labcorp); PubMed 17311297 (cited by Labcorp Genetics (formerly Invitae), Labcorp).